The following is an entry in ClinVar:

ClinVar aggregate classification (germline): Uncertain significance (1 of 4 stars; one submission).

Submission:

GeneDx
Classification: Uncertain significance. Last evaluated: 2022-11-17. Review status: criteria provided, single submitter. Criteria: GeneDx Variant Classification Process June 2021. Collection method: clinical testing. Allele origin: germline. Affected: yes.
Comment: Not observed at significant frequency in large population cohorts (gnomAD); In silico analysis supports that this missense variant has a deleterious effect on protein structure/function; Has not been previously published as pathogenic or benign to our knowledge

NM_001394062.1(MACF1):c.21100A>C (p.Lys7034Gln)

Gene: MACF1 (microtubule actin crosslinking factor 1; plus strand). Cytogenetic location: 1p34.3.
Variant type: single nucleotide variant.
Coding change: c.21100A>C on transcript NM_001394062.1 (MANE Select); coding-DNA position 21100, A replaced by C.
Protein change: p.Lys7034Gln; replaces lysine 7034 with glutamine.
Molecular consequence: missense variant.
Genome position (GRCh38, 1-based): chr1:39,458,394, A>C. VCF-style: chr1-39458394-A-C. GRCh37 (hg19) VCF-style: chr1-39924066-A-C.
Other names: c.9178A>C, p.Lys3060Gln (NM_001397473.1); c.14923A>C, p.Lys4975Gln (NM_012090.5); short protein forms K3060Q, K4975Q, K7034Q.
Identifiers: ClinVar variation 2502701 (VCV002502701.1), dbSNP rs2523310198, ClinGen allele CA339767846.